The following is an entry in ClinVar:

ClinVar aggregate classification (germline): Benign/Likely benign. Review status: criteria provided, multiple submitters, no conflicts (2 of 4 stars). 3 submissions from 3 submitters: Benign (1); Likely benign (2). Last evaluated 2025-05-26.

Allele frequency attached by ClinVar (database versions not stated): gnomAD exomes 0.00044 and 0.00094; ExAC 0.00130; gnomAD 0.00365 and 0.00394; TOPMed 0.00389; 1000 Genomes Project 0.00459; ESP Exome Variant Server 0.00507; 1000 Genomes Project 30x 0.00515.
gnomAD v4.1: 1,212 of 1,613,812 alleles (0.075%); highest among the groups gnomAD compares: African/African-American, 1.2%; 8 homozygotes.

Submissions (3):

Mayo Clinic Laboratories, Mayo Clinic
Classification: Likely benign. Last evaluated: 2025-05-26. Review status: criteria provided, single submitter. Criteria: ACMG Guidelines, 2015. Collection method: clinical testing. Allele origin: germline. Observed: 2 variant alleles.
Comment: BS2, BP4

Blueprint Genetics
Classification: Likely benign. Last evaluated: 2024-10-22. Review status: criteria provided, single submitter. Criteria: ACMG Guidelines, 2015. Collection method: clinical testing. Allele origin: germline.

Labcorp Genetics (formerly Invitae), Labcorp
Classification: Benign. Last evaluated: 2019-12-31. Review status: criteria provided, single submitter. Criteria: Invitae Variant Classification Sherloc (09022015). Collection method: clinical testing. Allele origin: germline.

NM_001377304.1(GFI1B):c.242G>T (p.Gly81Val)

Gene: GFI1B (growth factor independent 1B transcriptional repressor; plus strand). Cytogenetic location: 9q34.13.
Variant type: single nucleotide variant.
Coding change: c.242G>T on transcript NM_001377304.1 (MANE Select); coding-DNA position 242, G replaced by T.
Protein change: p.Gly81Val; replaces glycine 81 with valine.
Molecular consequence: missense variant.
Genome position (GRCh38, 1-based): chr9:132,988,200, G>T. VCF-style: chr9-132988200-G-T. GRCh37 (hg19) VCF-style: chr9-135863587-G-T.
Other names: p.Gly81Val; c.242G>T, p.Gly81Val (NM_001135031.2, NM_001371908.1, NM_001377305.1 and 1 more transcripts); c.242G>T (NM_004188.7); short protein forms G81V.
Identifiers: ClinVar variation 716946 (VCV000716946.6), dbSNP rs115534814, ClinGen allele CA5301888.